The following is an entry in ClinVar:

NM_001035.3(RYR2):c.925A>G (p.Met309Val)

Gene: RYR2 (ryanodine receptor 2; plus strand). Cytogenetic location: 1q43.
Variant type: single nucleotide variant.
Coding change: c.925A>G on transcript NM_001035.3 (MANE Select); coding-DNA position 925, A replaced by G.
Protein change: p.Met309Val; replaces methionine 309 with valine.
Molecular consequence: missense variant.
Genome position (GRCh38, 1-based): chr1:237,423,168, A>G. VCF-style: chr1-237423168-A-G. GRCh37 (hg19) VCF-style: chr1-237586468-A-G.
Other names: short protein forms M309V.
Identifiers: ClinVar variation 3070326 (VCV003070326.1), dbSNP rs2528090471, ClinGen allele CA345385368.
Genomic context (GRCh38, chr1:237,423,168, plus strand): 5'-ATAAGATGGGGACAGCCATTCCGACTACGCCATGTCACAACAGGAAAATACTTGAGTCTC[A>G]TGGAAGACAAAAACCTTCTACTCATGGACAAAGAGAAAGCTGATGTAAAATCAACAGCAT-3'
Protein context (NP_001026.2, residues 299-319): HVTTGKYLSL[Met309Val]EDKNLLLMDK

ClinVar aggregate classification (germline): Uncertain significance (1 of 4 stars; one submission).

Conditions:
Catecholaminergic polymorphic ventricular tachycardia (CVPT). Also called: Catecholamine-induced polymorphic ventricular tachycardia. Identifiers: Orphanet 3286, MedGen C5574922, MONDO:0017990.

Allele frequency attached by ClinVar (database versions not stated): gnomAD exomes below 0.00001.
gnomAD v4.1: 2 of 1,613,702 alleles (0.00012%); no homozygotes.

Submission:

All of Us Research Program, National Institutes of Health
Classification: Uncertain significance for Catecholaminergic polymorphic ventricular tachycardia. Last evaluated: 2023-04-03. Review status: criteria provided, single submitter. Criteria: ACMG Guidelines, 2015. Collection method: clinical testing. Allele origin: germline. Inheritance: Autosomal dominant inheritance. Observed: 1 variant allele, 1 heterozygote.
Comment: This missense variant replaces methionine with valine at codon 309 of the RYR2 protein. Computational prediction suggests that this variant may not impact protein structure and function (internally defined REVEL score threshold <= 0.5, PMID: 27666373). To our knowledge, functional studies have not been reported for this variant. This variant has not been reported in individuals affected with RYR2-related disorders in the literature. This variant has not been identified in the general population by the Genome Aggregation Database (gnomAD). The available evidence is insufficient to determine the role of this variant in disease conclusively. Therefore, this variant is classified as a Variant of Uncertain Significance.

This study involves interpretation of variants in research participants for the purpose of population health screening. Participant phenotype was not available at the time of variant classification. Additional details can be found in publication PMID: 35346344, PMCID: PMC8962531